The following is an entry in ClinVar:

ClinVar aggregate classification (germline): Uncertain significance. Review status: criteria provided, multiple submitters, no conflicts (2 of 4 stars). 2 submissions from 2 submitters: Uncertain significance (2). Last evaluated 2025-08-23.

Conditions:
Inborn genetic diseases. Identifiers: MedGen C0950123, MeSH D030342.
Inflammatory skin and bowel disease, neonatal, 1. Identifiers: Orphanet 294023, MedGen C3280501, MONDO:0013693, OMIM 614328.

gnomAD v4.1: 2 of 1,605,640 alleles (0.00012%); highest among the groups gnomAD compares: East Asian, 0.0045%; no homozygotes.

Submissions (2):

Ambry Genetics
Classification: Uncertain significance for Inborn genetic diseases. Last evaluated: 2025-08-23. Review status: criteria provided, single submitter. Criteria: Ambry Variant Classification Scheme 2023. Collection method: clinical testing. Allele origin: germline.

Labcorp Genetics (formerly Invitae), Labcorp
Classification: Uncertain significance for Inflammatory skin and bowel disease, neonatal, 1. Last evaluated: 2021-09-18. Review status: criteria provided, single submitter. Criteria: Invitae Variant Classification Sherloc (09022015). Collection method: clinical testing. Allele origin: germline.
Comment: In summary, the available evidence is currently insufficient to determine the role of this variant in disease. Therefore, it has been classified as a Variant of Uncertain Significance. Algorithms developed to predict the effect of missense changes on protein structure and function are either unavailable or do not agree on the potential impact of this missense change (SIFT: "Not Available"; PolyPhen-2: "Benign"; Align-GVGD: "Not Available"). This variant has not been reported in the literature in individuals affected with ADAM17-related conditions. This variant is not present in population databases (ExAC no frequency). This sequence change replaces arginine with lysine at codon 132 of the ADAM17 protein (p.Arg132Lys). The arginine residue is weakly conserved and there is a small physicochemical difference between arginine and lysine.

NM_003183.6(ADAM17):c.395G>A (p.Arg132Lys)

Gene: ADAM17 (ADAM metallopeptidase domain 17; minus strand). Cytogenetic location: 2p25.1.
Variant type: single nucleotide variant.
Coding change: c.395G>A on transcript NM_003183.6 (MANE Select); coding-DNA position 395, G replaced by A.
Protein change: p.Arg132Lys; replaces arginine 132 with lysine.
Molecular consequence: missense variant. On other transcripts: 5 prime UTR variant (2).
Genome position (GRCh38, 1-based): chr2:9,535,889, C>T on the plus strand (G>A on the coding strand, the complement: ADAM17 is on the minus strand). VCF-style: chr2-9535889-C-T. GRCh37 (hg19) VCF-style: chr2-9676018-C-T.
Other names: c.-286G>A (NM_001382777.1); c.-528G>A (NM_001382778.1); c.395G>A (NM_003183.4); short protein forms R132K.
Identifiers: ClinVar variation 1424581 (VCV001424581.7), dbSNP rs935773047, ClinGen allele CA345785877.